The following is an entry in ClinVar:

ClinVar aggregate classification (germline): Likely benign. Review status: criteria provided, multiple submitters, no conflicts (2 of 4 stars). 3 submissions from 3 submitters: Likely benign (3). Last evaluated 2025-04-11.

Conditions:
Wilms tumor 1 (WT1). Also called: Wilms tumor, somatic. Identifiers: Orphanet 654, MedGen CN033288, MONDO:0008679, OMIM 194070.
11p partial monosomy syndrome (WAGR). Also called: WAGR Spectrum Disorder; WAGR Complex; WAGR syndrome; CHROMOSOME 11p13 DELETION SYNDROME. Identifiers: Orphanet 893, MedGen C0206115, MONDO:0008681, OMIM 194072.
Drash syndrome (DDS). Also called: NEPHROPATHY, WILMS TUMOR, AND GENITAL ANOMALIES; WILMS TUMOR AND PSEUDO- OR TRUE HERMAPHRODITISM. Identifiers: Orphanet 220, MedGen C0950121, MONDO:0008682, OMIM 194080.
Frasier syndrome. Identifiers: Orphanet 347, MedGen C0950122, MeSH D052159, MONDO:0007635, OMIM 136680.
Inborn genetic diseases. Identifiers: MedGen C0950123, MeSH D030342.

Submissions (3):

Ambry Genetics
Classification: Likely benign for Inborn genetic diseases. Last evaluated: 2025-04-11. Review status: criteria provided, single submitter. Criteria: Ambry Variant Classification Scheme 2023. Collection method: clinical testing. Allele origin: germline.

Labcorp Genetics (formerly Invitae), Labcorp
Classification: Likely benign for Wilms tumor 1; Drash syndrome; 11p partial monosomy syndrome; Frasier syndrome. Last evaluated: 2023-10-10. Review status: criteria provided, single submitter. Criteria: Invitae Variant Classification Sherloc (09022015). Collection method: clinical testing. Allele origin: germline.

All of Us Research Program, National Institutes of Health
Classification: Likely benign for Wilms tumor 1. Last evaluated: 2022-11-30. Review status: criteria provided, single submitter. Criteria: ACMG Guidelines, 2015. Collection method: clinical testing. Allele origin: germline. Inheritance: Autosomal dominant inheritance. Observed: 1 variant allele, 1 heterozygote.
Comment: This study involves interpretation of variants in research participants for the purpose of population health screening. Participant phenotype was not available at the time of variant classification. Additional details can be found in publication PMID: 35346344, PMCID: PMC8962531

NM_024426.6(WT1):c.876G>A (p.Thr292=)

Gene: WT1 (WT1 transcription factor; minus strand). Cytogenetic location: 11p13.
Variant type: single nucleotide variant.
Coding change: c.876G>A on transcript NM_024426.6 (MANE Select); coding-DNA position 876, G replaced by A.
Protein change: p.Thr292=; no amino-acid change (threonine 292 retained).
Molecular consequence: synonymous variant. On other transcripts: non-coding transcript variant (2).
Genome position (GRCh38, 1-based): chr11:32,427,967, C>T on the plus strand (G>A on the coding strand, the complement: WT1 is on the minus strand). VCF-style: chr11-32427967-C-T. GRCh37 (hg19) VCF-style: chr11-32449513-C-T.
Other names: c.861G>A (NM_024426.4); c.876G>A, p.Thr292= (NM_000378.6, NM_001407044.1, NM_001407045.1 and 4 more transcripts); c.225G>A, p.Thr75= (NM_001198551.2, NM_001198552.2); c.753G>A, p.Thr251= (NM_001407047.1, NM_001407050.1); c.114G>A, p.Thr38= (NM_001407051.1); c.861G>A, p.Thr287= (NM_024425.2).
Identifiers: ClinVar variation 1138999 (VCV001138999.12), dbSNP rs1343218741, ClinGen allele CA473569512.